The following is an entry in ClinVar:

NM_000552.5(VWF):c.3379+2T>C

Gene: VWF (von Willebrand factor; minus strand). Cytogenetic location: 12p13.31.
Variant type: single nucleotide variant.
Coding change: c.3379+2T>C on transcript NM_000552.5 (MANE Select); the canonical splice donor site of the intron after coding-DNA position 3379, T replaced by C.
Molecular consequence: splice donor variant.
Genome position (GRCh38, 1-based): chr12:6,023,629, A>G on the plus strand (T>C on the coding strand, the complement: VWF is on the minus strand). VCF-style: chr12-6023629-A-G. GRCh37 (hg19) VCF-style: chr12-6132795-A-G.
Identifiers: ClinVar variation 1065300 (VCV001065300.3), dbSNP rs2136418281, ClinGen allele CA383511755.

ClinVar aggregate classification (germline): Uncertain significance (0 of 4 stars; one submission).

Conditions:
von Willebrand disease type 3 (VWD3). Also called: Type 3 Von Willebrand's disease; Type 3 VWD; Von Willebrand disease, severe form; V WD3; VON WILLEBRAND DISEASE, TYPE III. Identifiers: Orphanet 166096, MedGen C1264041, MONDO:0010191, OMIM 277480.

Submission:

Angelo Bianchi Bonomi Hemophilia and Thrombosis Center, Fondazione IRCCS Ca Granda Ospedale Maggiore Policlinico
Classification: Uncertain significance for von Willebrand disease type 3. Last evaluated: 2020-11-01. Review status: no assertion criteria provided. Collection method: clinical testing. Allele origin: germline. Affected: yes. Study: Type 3 Von Willebrand International Registries Inhibitor Prospective Study (3WINTERS-IPS).
Comment: ClinGen Pathogenicity Calculator